The following is an entry in ClinVar:

ClinVar aggregate classification (germline): Uncertain significance (1 of 4 stars; one submission).

Submission:

GeneDx
Classification: Uncertain significance. Last evaluated: 2024-05-07. Review status: criteria provided, single submitter. Criteria: GeneDx Variant Classification Process June 2021. Collection method: clinical testing. Allele origin: germline. Affected: yes.
Comment: Not observed at significant frequency in large population cohorts (gnomAD); In silico analysis supports that this missense variant has a deleterious effect on protein structure/function; Has not been previously published as pathogenic or benign to our knowledge

NM_134261.3(RORA):c.437G>A (p.Gly146Asp)

Genes: RORA (RAR related orphan receptor A; minus strand), RORA-AS1 (RORA antisense RNA 1; plus strand). Cytogenetic location: 15q22.2.
Variant type: single nucleotide variant.
Coding change: c.437G>A on transcript NM_134261.3 (MANE Select); coding-DNA position 437, G replaced by A.
Protein change: p.Gly146Asp; replaces glycine 146 with aspartic acid.
Molecular consequence: missense variant.
Genome position (GRCh38, 1-based): chr15:60,511,609, C>T on the plus strand (G>A on the coding strand, the complement: RORA is on the minus strand). VCF-style: chr15-60511609-C-T. GRCh37 (hg19) VCF-style: chr15-60803808-C-T.
Other names: c.512G>A, p.Gly171Asp (NM_002943.4); c.536G>A, p.Gly179Asp (NM_134260.3); c.272G>A, p.Gly91Asp (NM_134262.3); short protein forms G146D, G171D, G179D, G91D.
Identifiers: ClinVar variation 3375957 (VCV003375957.1).
Genomic context (GRCh38, chr15:60,511,609, plus strand): 5'-TGCATCCGGTGTTTCTGTACTTCTGCATACAAGCTGTCTCTCTGCTTTTTTGACATTCGG[C>T]CAAATTTTACAGCTGGAAGAAAAAAGCCAAACCATACTACATACAATGCGCTTTTCTTCA-3'
Protein context (NP_599023.1, residues 136-156): VGMSRDAVKF[Gly146Asp]RMSKKQRDSL